The following is an entry in ClinVar:

ClinVar aggregate classification (germline): Conflicting classifications of pathogenicity. Review status: criteria provided, conflicting classifications (1 of 4 stars). 9 submissions from 9 submitters: Uncertain significance (1); Benign (3); Likely benign (3). 2 of the submissions do not count toward it. Last evaluated 2026-01-19.

Conditions:
Cardiomyopathy (CMYO). Also called: Cardiomyopathies. Identifiers: Orphanet 167848, MedGen C0878544, MONDO:0004994, HP:0001638. Inheritance: Various modes of inheritance.
Becker muscular dystrophy (BMD). Also called: MUSCULAR DYSTROPHY, PSEUDOHYPERTROPHIC PROGRESSIVE, BECKER TYPE; Becker Muscular Dystrophy (BMD). Identifiers: Orphanet 98895, MedGen C0917713, MONDO:0010311, OMIM 300376.
Duchenne muscular dystrophy (DMD). Also called: MUSCULAR DYSTROPHY, PSEUDOHYPERTROPHIC PROGRESSIVE, DUCHENNE TYPE; Duchenne Muscular Dystrophy (DMD). Identifiers: Orphanet 98896, MedGen C0013264, MONDO:0010679, OMIM 310200.
Dystrophin deficiency.
DMD-related disorder. Also called: DMD-related condition.
Cardiovascular phenotype. Identifiers: MedGen CN230736.
Familial restrictive cardiomyopathy (RCM). Identifiers: Orphanet 217635, MedGen C0340429, MONDO:0016340.
Dilated cardiomyopathy 3B (CMD3B). Also called: CMD3B: DMD-Related Dilated Cardiomyopathy; CARDIOMYOPATHY, DILATED, X-LINKED; DMD-Associated Dilated Cardiomyopathy. Identifiers: Orphanet 154, MedGen C3668940, MONDO:0010542, OMIM 302045.

Allele frequency attached by ClinVar (database versions not stated): gnomAD below 0.00001 and 0.00007; TOPMed 0.00001; gnomAD exomes 0.00026; ExAC 0.00032; 1000 Genomes Project 0.00053; 1000 Genomes Project 30x 0.00062.
gnomAD v4.1: 203 of 1,209,072 alleles (0.017%); highest among the groups gnomAD compares: South Asian, 0.33%; no homozygotes.

Submissions (9):

Labcorp Genetics (formerly Invitae), Labcorp
Classification: Benign for Duchenne muscular dystrophy. Last evaluated: 2026-01-19. Review status: criteria provided, single submitter. Criteria: Invitae Variant Classification Sherloc (09022015). Collection method: clinical testing. Allele origin: germline.

Women's Health and Genetics/Laboratory Corporation of America, LabCorp
Classification: Likely benign. Last evaluated: 2024-12-13. Review status: criteria provided, single submitter. Criteria: LabCorp Variant Classification Summary - May 2015. Collection method: clinical testing. Allele origin: germline.

ARUP Laboratories, Molecular Genetics and Genomics, ARUP Laboratories
Classification: Benign. Last evaluated: 2024-08-11. Review status: criteria provided, single submitter. Criteria: ARUP Molecular Germline Variant Investigation Process 2024. Collection method: clinical testing. Allele origin: germline.

Blueprint Genetics
Classification: Likely benign. Last evaluated: 2022-03-07. Review status: criteria provided, single submitter. Criteria: ACMG Guidelines, 2015. Collection method: clinical testing. Allele origin: germline.

Ambry Genetics
Classification: Benign for Cardiovascular phenotype. Last evaluated: 2020-01-08. Review status: criteria provided, single submitter. Criteria: Ambry Variant Classification Scheme 2023. Collection method: clinical testing. Allele origin: germline.

Klaassen Lab, Charite University Medicine Berlin
Classification: Uncertain significance for Familial restrictive cardiomyopathy. Last evaluated: 2019-07-03. Review status: criteria provided, single submitter. Criteria: ACMG Guidelines, 2015. Collection method: research. Allele origin: germline. Affected: yes.

Illumina Laboratory Services, Illumina
Classification: Likely benign for Dilated cardiomyopathy 3B. Last evaluated: 2018-01-12. Review status: criteria provided, single submitter. Criteria: ICSL Variant Classification Criteria 13 December 2019. Collection method: clinical testing. Allele origin: germline.
Comment: This variant was observed in the ICSL laboratory as part of a predisposition screen in an ostensibly healthy population. It had not been previously curated by ICSL or reported in the Human Gene Mutation Database (HGMD: prior to June 1st, 2018), and was therefore a candidate for classification through an automated scoring system. Utilizing variant allele frequency, disease prevalence and penetrance estimates, and inheritance mode, an automated score was calculated to assess if this variant is too frequent to cause the disease. Based on the score and internal cut-off values, a variant classified as likely benign is not then subjected to further curation. The score for this variant resulted in a classification of likely benign for this disease.

PreventionGenetics, part of Exact Sciences
Classification: Likely benign for DMD-related condition. Last evaluated: 2024-06-27. Review status: no assertion criteria provided. Collection method: clinical testing. Allele origin: germline. Not counted in ClinVar's aggregate classification.
Comment: This variant is classified as likely benign based on ACMG/AMP sequence variant interpretation guidelines (Richards et al. 2015 PMID: 25741868, with internal and published modifications).

Natera, Inc.
Classification: Likely benign for Becker muscular dystrophy; Cardiomyopathy; Duchenne muscular dystrophy; Dystrophin deficiency. Last evaluated: 2020-01-02. Review status: no assertion criteria provided. Collection method: clinical testing. Allele origin: germline. Not counted in ClinVar's aggregate classification.

Literature cited by the submitters: PubMed 31333075 (cited by Ambry Genetics and Klaassen Lab, Charite University Medicine Berlin); PubMed 31568572 (cited by Ambry Genetics and Klaassen Lab, Charite University Medicine Berlin).

NM_004006.3(DMD):c.2273A>C (p.Asp758Ala)

Gene: DMD (dystrophin; minus strand). Cytogenetic location: Xp21.1.
Variant type: single nucleotide variant.
Coding change: c.2273A>C on transcript NM_004006.3 (MANE Select); coding-DNA position 2273, A replaced by C.
Protein change: p.Asp758Ala; replaces aspartic acid 758 with alanine.
Molecular consequence: missense variant.
Genome position (GRCh38, 1-based): chrX:32,518,027, T>G on the plus strand (A>C on the coding strand, the complement: DMD is on the minus strand). VCF-style: chrX-32518027-T-G. GRCh37 (hg19) VCF-style: chrX-32536144-T-G.
Other names: c.2249A>C, p.Asp750Ala (NM_000109.4); c.2261A>C, p.Asp754Ala (NM_004009.3); c.1904A>C, p.Asp635Ala (NM_004010.3); short protein forms D758A, D635A, D754A, D750A.
Identifiers: ClinVar variation 201758 (VCV000201758.31), dbSNP rs750526692, ClinGen allele CA308419.